The following is an entry in ClinVar:

NM_006031.6(PCNT):c.9034G>A (p.Val3012Met)

Gene: PCNT (pericentrin; plus strand). Cytogenetic location: 21q22.3.
Variant type: single nucleotide variant.
Coding change: c.9034G>A on transcript NM_006031.6 (MANE Select); coding-DNA position 9034, G replaced by A.
Protein change: p.Val3012Met; replaces valine 3012 with methionine.
Molecular consequence: missense variant.
Genome position (GRCh38, 1-based): chr21:46,437,016, G>A. VCF-style: chr21-46437016-G-A. GRCh37 (hg19) VCF-style: chr21-47856929-G-A.
Other names: c.8443G>A, p.Val2815Met (NM_001315529.2); short protein forms V2815M, V3012M.
Identifiers: ClinVar variation 3357352 (VCV003357352.1).
Genomic context (GRCh38, chr21:46,437,016, plus strand): 5'-TGAGTGCCCATTTATTTTTACAGGACAGTTAATGATTGGACGTCATCCAATGAGAAAGCA[G>A]TGATGTCTTTACTGCACACGTTGGAGGAGCTGAAGTCTGACTTGAGCAGGCCCACCTCCT-3'
Protein context (NP_006022.3, residues 3002-3022): NDWTSSNEKA[Val3012Met]MSLLHTLEEL

ClinVar aggregate classification (germline): Uncertain significance (0 of 4 stars; one submission).

Conditions:
PCNT-related disorder. Also called: PCNT-related condition.

gnomAD v4.1: 3 of 1,614,188 alleles (0.00019%); highest among the groups gnomAD compares: Admixed American, 0.005%; no homozygotes.

Submission:

PreventionGenetics, part of Exact Sciences
Classification: Uncertain significance for PCNT-related condition. Last evaluated: 2023-12-05. Review status: no assertion criteria provided. Collection method: clinical testing. Allele origin: germline.
Comment: The PCNT c.9034G>A variant is predicted to result in the amino acid substitution p.Val3012Met. To our knowledge, this variant has not been reported in the literature. This variant is reported in 0.0087% of alleles in individuals of Latino descent in gnomAD. At this time, the clinical significance of this variant is uncertain due to the absence of conclusive functional and genetic evidence.